The following is an entry in ClinVar:

NM_001972.4(ELANE):c.607G>T (p.Gly203Cys)

Gene: ELANE (elastase, neutrophil expressed; plus strand). Cytogenetic location: 19p13.3.
Variant type: single nucleotide variant.
Coding change: c.607G>T on transcript NM_001972.4 (MANE Select); coding-DNA position 607, G replaced by T.
Protein change: p.Gly203Cys; replaces glycine 203 with cysteine.
Molecular consequence: missense variant.
Genome position (GRCh38, 1-based): chr19:855,967, G>T. VCF-style: chr19-855967-G-T. GRCh37 (hg19) VCF-style: chr19-855967-G-T.
Other names: short protein forms G203C.
Identifiers: ClinVar variation 937552 (VCV000937552.12), dbSNP rs201139487, ClinGen allele CA402918878.

ClinVar aggregate classification (germline): Uncertain significance (1 of 4 stars; one submission).

Conditions:
Neutropenia, severe congenital, 1, autosomal dominant. Identifiers: MedGen C1859966, MONDO:0042490, OMIM 202700.
Cyclical neutropenia. Also called: Cyclic Neutropenia; Cyclic hematopoiesis. Identifiers: Orphanet 2686, MedGen C0221023, MONDO:0008090, OMIM 162800, HP:0040289. Disease mechanism: loss of function.

Submission:

Labcorp Genetics (formerly Invitae), Labcorp
Classification: Uncertain significance for Neutropenia, severe congenital, 1, autosomal dominant; Cyclical neutropenia. Last evaluated: 2019-06-13. Review status: criteria provided, single submitter. Criteria: Invitae Variant Classification Sherloc (09022015). Collection method: clinical testing. Allele origin: germline.
Comment: This sequence change replaces glycine with cysteine at codon 203 of the ELANE protein (p.Gly203Cys). The glycine residue is highly conserved and there is a large physicochemical difference between glycine and cysteine. This variant is not present in population databases (ExAC no frequency). In summary, the available evidence is currently insufficient to determine the role of this variant in disease. Therefore, it has been classified as a Variant of Uncertain Significance. Algorithms developed to predict the effect of missense changes on protein structure and function (SIFT, PolyPhen-2, Align-GVGD) all suggest that this variant is likely to be disruptive, but these predictions have not been confirmed by published functional studies and their clinical significance is uncertain. This variant has been observed in an individual affected with severe chronic neutropenia (PMID: 19036076). This variant is also known as c.4891G>T (p.Gly174Cys) in the literature.

Literature cited by the submitters: PubMed 19036076.